The following is an entry in ClinVar:

ClinVar aggregate classification (germline): Benign/Likely benign. Review status: criteria provided, multiple submitters, no conflicts (2 of 4 stars). 4 submissions from 4 submitters: Benign (1); Likely benign (3). Last evaluated 2026-03-01.

Conditions:
ARSG-related disorder. Also called: ARSG-related condition.

Allele frequency attached by ClinVar (database versions not stated): gnomAD exomes 0.00011 and 0.00033; ExAC 0.00043; gnomAD 0.00115 and 0.00125; 1000 Genomes Project 30x 0.00141; ESP Exome Variant Server 0.00169; TOPMed 0.00130; 1000 Genomes Project 0.00140.
gnomAD v4.1: 336 of 1,614,176 alleles (0.021%); highest among the groups gnomAD compares: African/African-American, 0.39%; 1 homozygote.

Submissions (4):

CeGaT Center for Human Genetics Tuebingen
Classification: Likely benign. Last evaluated: 2026-03-01. Review status: criteria provided, single submitter. Criteria: CeGaT Center For Human Genetics Tuebingen Variant Classification Criteria Version 2. Collection method: clinical testing. Allele origin: germline. Affected: yes. Observed: 1 variant allele.
Comment: ARSG: BP4, BP7

PreventionGenetics, part of Exact Sciences
Classification: Likely benign for ARSG-related condition. Last evaluated: 2026-02-18. Review status: criteria provided, single submitter. Criteria: ACMG Guidelines, 2015. Collection method: clinical testing. Allele origin: germline.
Comment: This variant is classified as likely benign based on ACMG/AMP sequence variant interpretation guidelines (Richards et al. 2015 PMID: 25741868, with internal and published modifications).

Labcorp Genetics (formerly Invitae), Labcorp
Classification: Benign. Last evaluated: 2026-01-26. Review status: criteria provided, single submitter. Criteria: Invitae Variant Classification Sherloc (09022015). Collection method: clinical testing. Allele origin: germline.

Blueprint Genetics
Classification: Likely benign. Last evaluated: 2024-08-12. Review status: criteria provided, single submitter. Criteria: ACMG Guidelines, 2015. Collection method: clinical testing. Allele origin: germline.

NM_001267727.2(ARSG):c.756G>A (p.Val252=)

Gene: ARSG (arylsulfatase G; plus strand). Cytogenetic location: 17q24.2.
Variant type: single nucleotide variant.
Coding change: c.756G>A on transcript NM_001267727.2 (MANE Select); coding-DNA position 756, G replaced by A.
Protein change: p.Val252=; no amino-acid change (valine 252 retained).
Molecular consequence: synonymous variant.
Genome position (GRCh38, 1-based): chr17:68,368,599, G>A. VCF-style: chr17-68368599-G-A. GRCh37 (hg19) VCF-style: chr17-66364740-G-A.
Other names: c.756G>A, p.Val252= (NM_014960.5, NM_001352899.2, NM_001352900.2 and 3 more transcripts); c.753G>A, p.Val251= (NM_001352903.2, NM_001352904.2, NM_001352905.2 and 2 more transcripts); c.708G>A, p.Val236= (NM_001352909.2); c.756G>A (NM_014960.4).
Identifiers: ClinVar variation 1165569 (VCV001165569.15), dbSNP rs143544810, ClinGen allele CA8728355.